The following is an entry in ClinVar:

NM_024407.5(NDUFS7):c.*13C>A

Gene: NDUFS7 (NADH:ubiquinone oxidoreductase core subunit S7; plus strand). Cytogenetic location: 19p13.3.
Variant type: single nucleotide variant.
Coding change: c.*13C>A on transcript NM_024407.5 (MANE Select); 13 bases downstream of the stop codon, C replaced by A.
Molecular consequence: 3 prime UTR variant.
Genome position (GRCh38, 1-based): chr19:1,395,501, C>A. VCF-style: chr19-1395501-C-A. GRCh37 (hg19) VCF-style: chr19-1395500-C-A.
Other names: c.*1079C>A (NM_001363602.2).
Identifiers: ClinVar variation 138494 (VCV000138494.7), dbSNP rs11551663, ClinGen allele CA292508.

ClinVar aggregate classification (germline): Benign/Likely benign. Review status: criteria provided, multiple submitters, no conflicts (2 of 4 stars). 3 submissions from 3 submitters: Benign (2); Likely benign (1). Last evaluated 2018-01-12.

Conditions:
Mitochondrial complex I deficiency, nuclear type 1. Also called: NADH-COENZYME Q REDUCTASE DEFICIENCY; MITOCHONDRIAL NADH DEHYDROGENASE COMPONENT OF COMPLEX I, DEFICIENCY OF. Identifiers: MedGen C6022305, MONDO:0100224, OMIM 252010.

Allele frequency attached by ClinVar (database versions not stated): ESP Exome Variant Server 0.05779; TOPMed 0.06647; 1000 Genomes Project 0.06989; 1000 Genomes Project 30x 0.07495.
gnomAD v4.1: 19,199 of 1,564,368 alleles (1.2%); highest among the groups gnomAD compares: African/African-American, 21%; 1,777 homozygotes.

Submissions (3):

Illumina Laboratory Services, Illumina
Classification: Benign for Mitochondrial complex I deficiency, nuclear type 1. Last evaluated: 2018-01-12. Review status: criteria provided, single submitter. Criteria: ICSL Variant Classification Criteria 13 December 2019. Collection method: clinical testing. Allele origin: germline.
Comment: This variant was observed in the ICSL laboratory as part of a predisposition screen in an ostensibly healthy population. It had not been previously curated by ICSL or reported in the Human Gene Mutation Database (HGMD: prior to June 1st, 2018), and was therefore a candidate for classification through an automated scoring system. Utilizing variant allele frequency, disease prevalence and penetrance estimates, and inheritance mode, an automated score was calculated to assess if this variant is too frequent to cause the disease. Based on the score and internal cut-off values, a variant classified as benign is not then subjected to further curation. The score for this variant resulted in a classification of benign for this disease.

GeneDx
Classification: Benign. Last evaluated: 2012-11-07. Review status: criteria provided, single submitter. Criteria: GeneDx Variant Classification (06012015). Collection method: clinical testing. Allele origin: germline. Affected: yes.
Comment: This variant is considered likely benign or benign based on one or more of the following criteria: it is a conservative change, it occurs at a poorly conserved position in the protein, it is predicted to be benign by multiple in silico algorithms, and/or has population frequency not consistent with disease.

Breakthrough Genomics
Classification: Likely benign. Review status: criteria provided, single submitter. Criteria: ACMG Guidelines, 2015. Collection method: not provided. Allele origin: germline. Inheritance: Autosomal recessive inheritance. Affected: yes.